The following is an entry in ClinVar:

NM_000019.4(ACAT1):c.716_717del (p.Thr239fs)

Gene: ACAT1 (acetyl-CoA acetyltransferase 1; plus strand). Cytogenetic location: 11q22.3.
Variant type: Microsatellite.
Coding change: c.716_717del on transcript NM_000019.4 (MANE Select); coding-DNA positions 716 to 717, 2 bases deleted (CA; older notation c.716_717delCA).
Protein change: p.Thr239fs; shifts the reading frame from threonine 239.
Molecular consequence: frameshift variant. On other transcripts: non-coding transcript variant (2).
Genome position (GRCh38, 1-based): chr11:108,140,201-108,140,202, CA deleted; deleting any 2 consecutive bases within chr11:108,140,199-108,140,202 gives the same sequence; the c. name uses the placement nearest the transcript's 3' end. VCF-style (leftmost placement, unchanged base first): chr11-108140198-TCA-T. GRCh37 (hg19) VCF-style: chr11-108010925-TCA-T.
Other names: c.446_447del, p.Thr149fs (NM_001386691.1, NM_001386690.1, NM_001386681.1 and 6 more transcripts); c.716_717del, p.Thr239fs (NM_001386677.1); c.401_402del, p.Thr134fs (NM_001386678.1); c.419_420del, p.Thr140fs (NM_001386679.1); short protein forms T134fs, T140fs, T149fs, T239fs.
Identifiers: ClinVar variation 2680308 (VCV002680308.5), dbSNP rs2496622561, ClinGen allele CA476672360.
Genomic context (GRCh38, chr11:108,140,198, plus strand): 5'-CTTATACCAGAAGTAAAGCAGCATGGGAAGCTGGGAAATTTGGAAATGAAGTTATTCCTG[TCA>T]CAGTTACAGTAAAAGGTAGAGATAATGTTCCAAAAAGGATGAATAGACTTTTCATGTTGC-3'

ClinVar aggregate classification (germline): Pathogenic (1 of 4 stars; one submission).

Conditions:
Deficiency of acetyl-CoA acetyltransferase. Also called: 3-KETOTHIOLASE DEFICIENCY; 3-OXOTHIOLASE DEFICIENCY; MITOCHONDRIAL ACETOACETYL-CoA THIOLASE DEFICIENCY; Beta-ketothiolase deficiency. Identifiers: Orphanet 134, MedGen C1536500, MONDO:0008760, OMIM 203750. Disease mechanism: loss of function.

Submission:

Labcorp Genetics (formerly Invitae), Labcorp
Classification: Pathogenic for Deficiency of acetyl-CoA acetyltransferase. Last evaluated: 2023-09-29. Review status: criteria provided, single submitter. Criteria: Invitae Variant Classification Sherloc (09022015). Collection method: clinical testing. Allele origin: germline.
Comment: This sequence change creates a premature translational stop signal (p.Thr239Serfs*15) in the ACAT1 gene. It is expected to result in an absent or disrupted protein product. Loss-of-function variants in ACAT1 are known to be pathogenic (PMID: 7749408). This variant is not present in population databases (gnomAD no frequency). This variant has not been reported in the literature in individuals affected with ACAT1-related conditions. For these reasons, this variant has been classified as Pathogenic.

Literature cited by the submitters: PubMed 7749408.